The following is an entry in ClinVar:

ClinVar aggregate classification (germline): Likely benign (1 of 4 stars; one submission).

Submission:

CeGaT Center for Human Genetics Tuebingen
Classification: Likely benign. Last evaluated: 2025-09-01. Review status: criteria provided, single submitter. Criteria: CeGaT Center For Human Genetics Tuebingen Variant Classification Criteria Version 2. Collection method: clinical testing. Allele origin: germline. Affected: yes. Observed: 1 variant allele.
Comment: NLRP3: PM2:Supporting, BP4, BP7

NM_001243133.2(NLRP3):c.1209C>T (p.Leu403=)

Gene: NLRP3 (NLR family pyrin domain containing 3; plus strand). Cytogenetic location: 1q44.
Variant type: single nucleotide variant.
Coding change: c.1209C>T on transcript NM_001243133.2 (MANE Select); coding-DNA position 1209, C replaced by T.
Protein change: p.Leu403=; no amino-acid change (leucine 403 retained).
Molecular consequence: synonymous variant.
Genome position (GRCh38, 1-based): chr1:247,424,658, C>T. VCF-style: chr1-247424658-C-T. GRCh37 (hg19) VCF-style: chr1-247587960-C-T.
Other names: c.1209C>T, p.Leu403= (NM_001079821.3, NM_001127461.3, NM_001127462.3 and 1 more transcripts); c.1215C>T, p.Leu405= (NM_004895.5).
Identifiers: ClinVar variation 4281034 (VCV004281034.7).